The following is an entry in ClinVar:

NM_012472.6(DNAAF11):c.712A>G (p.Lys238Glu)

Gene: DNAAF11 (dynein axonemal assembly factor 11; minus strand). Cytogenetic location: 8q24.22.
Variant type: single nucleotide variant.
Coding change: c.712A>G on transcript NM_012472.6 (MANE Select); coding-DNA position 712, A replaced by G.
Protein change: p.Lys238Glu; replaces lysine 238 with glutamic acid.
Molecular consequence: missense variant. On other transcripts: non-coding transcript variant (10).
Genome position (GRCh38, 1-based): chr8:132,625,396, T>C on the plus strand (A>G on the coding strand, the complement: DNAAF11 is on the minus strand). VCF-style: chr8-132625396-T-C. GRCh37 (hg19) VCF-style: chr8-133637642-T-C.
Other names: c.712A>G, p.Lys238Glu (NM_001321961.2); c.466A>G, p.Lys156Glu (NM_001321962.2); c.352A>G, p.Lys118Glu (NM_001321963.2, NM_001321964.2, NM_001321965.2 and 1 more transcripts); short protein forms K238E, K118E, K156E.
Identifiers: ClinVar variation 3502863 (VCV003502863.1).
Genomic context (GRCh38, chr8:132,625,396, plus strand): 5'-GAGTAAACAAACAGGGCTTATTCCAGAATTCCAAGTCATCTTCACTGTTGTCTAATTTCT[T>C]TGTGTTGTGTTCCTCTGTGTCTGGTGCCTGTAGGTGGTCTTTGCTCTCTAAAGAGGAACT-3'
Protein context (NP_036604.2, residues 228-248): QAPDTEEHNT[Lys238Glu]KLDNSEDDLE

ClinVar aggregate classification (germline): Uncertain significance (1 of 4 stars; one submission).

Conditions:
Primary ciliary dyskinesia. Also called: Ciliary dyskinesia. Identifiers: Orphanet 244, MedGen C0008780, MONDO:0016575, HP:0012265.

gnomAD v4.1: 24 of 1,613,578 alleles (0.0015%); highest among the groups gnomAD compares: Admixed American, 0.03%; no homozygotes.

Submission:

Ambry Genetics
Classification: Uncertain significance for Primary ciliary dyskinesia. Last evaluated: 2024-11-13. Review status: criteria provided, single submitter. Criteria: Ambry Variant Classification Scheme 2023. Collection method: clinical testing. Allele origin: germline.
Comment: The p.K238E variant (also known as c.712A>G), located in coding exon 6 of the LRRC6 gene, results from an A to G substitution at nucleotide position 712. The lysine at codon 238 is replaced by glutamic acid, an amino acid with similar properties. This amino acid position is conserved. In addition, this alteration is predicted to be tolerated by in silico analysis. Based on the available evidence, the clinical significance of this variant remains unclear.